The following is an entry in ClinVar:

ClinVar aggregate classification (germline): Uncertain significance (1 of 4 stars; one submission).

Submission:

GeneDx
Classification: Uncertain significance. Last evaluated: 2025-06-25. Review status: criteria provided, single submitter. Criteria: GeneDx Variant Classification Process June 2021. Collection method: clinical testing. Allele origin: germline. Affected: yes.
Comment: Not observed at significant frequency in large population cohorts (gnomAD); In silico analysis supports that this missense variant has a deleterious effect on protein structure/function; Has not been previously published as pathogenic or benign to our knowledge

NM_000083.3(CLCN1):c.1556T>A (p.Ile519Asn)

Gene: CLCN1 (chloride voltage-gated channel 1; plus strand). Cytogenetic location: 7q34.
Variant type: single nucleotide variant.
Coding change: c.1556T>A on transcript NM_000083.3 (MANE Select); coding-DNA position 1556, T replaced by A.
Protein change: p.Ile519Asn; replaces isoleucine 519 with asparagine.
Molecular consequence: missense variant. On other transcripts: non-coding transcript variant (1).
Genome position (GRCh38, 1-based): chr7:143,339,595, T>A. VCF-style: chr7-143339595-T-A. GRCh37 (hg19) VCF-style: chr7-143036688-T-A.
Other names: short protein forms I519N.
Identifiers: ClinVar variation 4685159 (VCV004685159.1).